The following is an entry in ClinVar:

ClinVar aggregate classification (germline): Uncertain significance. Review status: criteria provided, multiple submitters, no conflicts (2 of 4 stars). 2 submissions from 2 submitters: Uncertain significance (2). Last evaluated 2025-05-24.

Conditions:
Hereditary cancer-predisposing syndrome. Also called: Hereditary neoplastic syndrome; Neoplastic Syndromes, Hereditary; Hereditary Cancer Syndrome; Tumor predisposition. Identifiers: Orphanet 140162, MedGen C0027672, MeSH D009386, MONDO:0015356.

gnomAD v4.1: 1 of 1,612,262 alleles (0.000062%); highest among the groups gnomAD compares: Non-Finnish European, 0.000085%; no homozygotes.

Submissions (2):

Ambry Genetics
Classification: Uncertain significance for Hereditary cancer-predisposing syndrome. Last evaluated: 2025-05-24. Review status: criteria provided, single submitter. Criteria: Ambry Variant Classification Scheme 2023. Collection method: clinical testing. Allele origin: germline.
Comment: The p.Q479E variant (also known as c.1435C>G), located in coding exon 9 of the RAD50 gene, results from a C to G substitution at nucleotide position 1435. The glutamine at codon 479 is replaced by glutamic acid, an amino acid with highly similar properties. This amino acid position is not well conserved in available vertebrate species. In addition, this alteration is predicted to be tolerated by in silico analysis. Since supporting evidence is limited at this time, the clinical significance of this alteration remains unclear.

Labcorp Genetics (formerly Invitae), Labcorp
Classification: Uncertain significance for Hereditary cancer-predisposing syndrome. Last evaluated: 2023-04-17. Review status: criteria provided, single submitter. Criteria: Invitae Variant Classification Sherloc (09022015). Collection method: clinical testing. Allele origin: germline.
Comment: Advanced modeling of protein sequence and biophysical properties (such as structural, functional, and spatial information, amino acid conservation, physicochemical variation, residue mobility, and thermodynamic stability) performed at Invitae indicates that this missense variant is not expected to disrupt RAD50 protein function. In summary, the available evidence is currently insufficient to determine the role of this variant in disease. Therefore, it has been classified as a Variant of Uncertain Significance. ClinVar contains an entry for this variant (Variation ID: 658908). This sequence change replaces glutamine, which is neutral and polar, with glutamic acid, which is acidic and polar, at codon 479 of the RAD50 protein (p.Gln479Glu). This variant is not present in population databases (gnomAD no frequency). This variant has not been reported in the literature in individuals affected with RAD50-related conditions.

NM_005732.4(RAD50):c.1435C>G (p.Gln479Glu)

Gene: RAD50 (RAD50 double strand break repair protein; plus strand). Cytogenetic location: 5q31.1.
Variant type: single nucleotide variant.
Coding change: c.1435C>G on transcript NM_005732.4 (MANE Select); coding-DNA position 1435, C replaced by G.
Protein change: p.Gln479Glu; replaces glutamine 479 with glutamic acid.
Molecular consequence: missense variant.
Genome position (GRCh38, 1-based): chr5:132,589,820, C>G. VCF-style: chr5-132589820-C-G. GRCh37 (hg19) VCF-style: chr5-131925512-C-G.
Other names: short protein forms Q479E.
Identifiers: ClinVar variation 658908 (VCV000658908.14), dbSNP rs1580993593, ClinGen allele CA360944896.